The following is an entry in ClinVar:

ClinVar aggregate classification (germline): Benign. Review status: criteria provided, multiple submitters, no conflicts (2 of 4 stars). 3 submissions from 3 submitters: Benign (2). 1 of the submissions does not count toward it. Last evaluated 2019-03-28.

Conditions:
SYT1-related disorder. Also called: SYT1-related condition.

Allele frequency attached by ClinVar (database versions not stated): 1000 Genomes Project 30x 0.01749; 1000 Genomes Project 0.01857; TOPMed 0.04070; gnomAD 0.04559 and 0.04670; gnomAD exomes 0.04611 and 0.06128; ExAC 0.04723; ESP Exome Variant Server 0.04913.
gnomAD v4.1: 95,978 of 1,613,910 alleles (5.9%); highest among the groups gnomAD compares: Non-Finnish European, 7%; 3,324 homozygotes.

Submissions (3):

GeneDx
Classification: Benign. Last evaluated: 2019-03-28. Review status: criteria provided, single submitter. Criteria: GeneDx Variant Classification Process June 2021. Collection method: clinical testing. Allele origin: germline. Affected: yes.

Breakthrough Genomics
Classification: Benign. Review status: criteria provided, single submitter. Criteria: ACMG Guidelines, 2015. Collection method: not provided. Allele origin: germline. Inheritance: Autosomal dominant inheritance. Affected: yes.

PreventionGenetics, part of Exact Sciences
Classification: Likely benign for SYT1-related condition. Last evaluated: 2022-11-11. Review status: no assertion criteria provided. Collection method: clinical testing. Allele origin: germline. Not counted in ClinVar's aggregate classification.
Comment: This variant is classified as likely benign based on ACMG/AMP sequence variant interpretation guidelines (Richards et al. 2015 PMID: 25741868, with internal and published modifications).

NM_005639.3(SYT1):c.1074G>T (p.Val358=)

Gene: SYT1 (synaptotagmin 1; plus strand). Cytogenetic location: 12q21.2.
Variant type: single nucleotide variant.
Coding change: c.1074G>T on transcript NM_005639.3 (MANE Select); coding-DNA position 1074, G replaced by T.
Protein change: p.Val358=; no amino-acid change (valine 358 retained).
Molecular consequence: synonymous variant.
Genome position (GRCh38, 1-based): chr12:79,448,929, G>T. VCF-style: chr12-79448929-G-T. GRCh37 (hg19) VCF-style: chr12-79842709-G-T.
Other names: c.1074G>T, p.Val358= (NM_001135805.2, NM_001135806.2); c.1065G>T, p.Val355= (NM_001291901.2); c.1074G>T (NM_001135805.1).
Identifiers: ClinVar variation 1274428 (VCV001274428.4), dbSNP rs12812916, ClinGen allele CA6698978.